The following is an entry in ClinVar:

NM_170784.3(MKKS):c.1273-21A>G

Gene: MKKS (MKKS centrosomal shuttling protein; minus strand). Cytogenetic location: 20p12.2.
Variant type: single nucleotide variant.
Coding change: c.1273-21A>G on transcript NM_170784.3 (MANE Select); 21 bases into the intron before coding-DNA position 1273, A replaced by G.
Molecular consequence: intron variant.
Genome position (GRCh38, 1-based): chr20:10,405,708, T>C on the plus strand (A>G on the coding strand, the complement: MKKS is on the minus strand). VCF-style: chr20-10405708-T-C. GRCh37 (hg19) VCF-style: chr20-10386356-T-C.
Other names: c.1273-21A>G (NM_018848.3).
Identifiers: ClinVar variation 3349530 (VCV003349530.1).

ClinVar aggregate classification (germline): Uncertain significance (0 of 4 stars; one submission).

Conditions:
MKKS-related disorder. Also called: MKKS-related condition; MKKS-related disorders.

gnomAD v4.1: 12 of 1,563,068 alleles (0.00077%); highest among the groups gnomAD compares: Non-Finnish European, 0.0011%; no homozygotes.

Submission:

PreventionGenetics, part of Exact Sciences
Classification: Uncertain significance for MKKS-related condition. Last evaluated: 2024-02-15. Review status: no assertion criteria provided. Collection method: clinical testing. Allele origin: germline.
Comment: The MKKS c.1273-21A>G variant is predicted to interfere with splicing. To our knowledge, this variant has not been reported in the literature or in a large population database, indicating this variant is rare. However, the use of computer prediction programs is not equivalent to functional evidence, and therefore the clinical significance of this variant is uncertain.